The following is an entry in ClinVar:

ClinVar aggregate classification (germline): Conflicting classifications of pathogenicity. Review status: criteria provided, conflicting classifications (1 of 4 stars). 8 submissions from 8 submitters: Uncertain significance (5); Likely benign (2). 1 of the submissions does not count toward it. Last evaluated 2025-02-13.

Conditions:
Hereditary cancer-predisposing syndrome. Also called: Hereditary Cancer Syndrome; Neoplastic Syndromes, Hereditary; Hereditary neoplastic syndrome; Tumor predisposition. Identifiers: Orphanet 140162, MedGen C0027672, MeSH D009386, MONDO:0015356.
Hereditary breast ovarian cancer syndrome. Also called: Hereditary breast and ovarian cancer syndrome (HBOC); Breast and ovarian cancer; Hereditary breast and ovarian cancer syndrome; Hereditary breast and ovarian cancer; BRCA1- and BRCA2-Associated Hereditary Breast and Ovarian Cancer; Hereditary breast and/or ovarian cancer syndrome. Identifiers: Orphanet 145, MedGen C0677776, MeSH D061325, MONDO:0003582. Disease mechanism: loss of function.
Breast-ovarian cancer, familial, susceptibility to, 1 (BROVCA1). Also called: BRCA1 Hereditary Breast and Ovarian Cancer; OVARIAN CANCER, SUSCEPTIBILITY TO. Identifiers: Orphanet 145, MedGen C2676676, MONDO:0011450, OMIM 604370. Disease mechanism: loss of function.
Malignant tumor of breast. Also called: Malignant breast neoplasm; Cancer breast. Identifiers: MedGen C0006142, MONDO:0007254. Disease mechanism: loss of function.

Allele frequency attached by ClinVar (database versions not stated): TOPMed below 0.00001; gnomAD 0.00001; gnomAD exomes 0.00002.
gnomAD v4.1: 20 of 1,613,994 alleles (0.0012%); highest among the groups gnomAD compares: Non-Finnish European, 0.0016%; no homozygotes.

Submissions (8):

Labcorp Genetics (formerly Invitae), Labcorp
Classification: Uncertain significance for Hereditary breast ovarian cancer syndrome. Last evaluated: 2025-02-13. Review status: criteria provided, single submitter. Criteria: Invitae Variant Classification Sherloc (09022015). Collection method: clinical testing. Allele origin: germline.
Comment: This sequence change replaces asparagine, which is neutral and polar, with serine, which is neutral and polar, at codon 961 of the BRCA1 protein (p.Asn961Ser). This variant is not present in population databases (gnomAD no frequency). This missense change has been observed in individual(s) with breast cancer (PMID: 34326862). ClinVar contains an entry for this variant (Variation ID: 246160). Invitae Evidence Modeling of protein sequence and biophysical properties (such as structural, functional, and spatial information, amino acid conservation, physicochemical variation, residue mobility, and thermodynamic stability) indicates that this missense variant is not expected to disrupt BRCA1 protein function with a negative predictive value of 80%. In summary, the available evidence is currently insufficient to determine the role of this variant in disease. Therefore, it has been classified as a Variant of Uncertain Significance.

Blueprint Genetics
Classification: Likely benign. Last evaluated: 2024-10-17. Review status: criteria provided, single submitter. Criteria: ACMG Guidelines, 2015. Collection method: clinical testing. Allele origin: germline.

Ambry Genetics
Classification: Uncertain significance for Hereditary cancer-predisposing syndrome. Last evaluated: 2024-05-01. Review status: criteria provided, single submitter. Criteria: Ambry Variant Classification Scheme 2023. Collection method: clinical testing. Allele origin: germline.
Comment: The p.N961S variant (also known as c.2882A>G), located in coding exon 9 of the BRCA1 gene, results from an A to G substitution at nucleotide position 2882. The asparagine at codon 961 is replaced by serine, an amino acid with highly similar properties. This amino acid position is not well conserved in available vertebrate species. In addition, this alteration is predicted to be tolerated by in silico analysis. Based on the available evidence, the clinical significance of this variant remains unclear.

Color Diagnostics, LLC DBA Color Health
Classification: Uncertain significance for Hereditary cancer-predisposing syndrome. Last evaluated: 2023-07-24. Review status: criteria provided, single submitter. Criteria: ACMG Guidelines, 2015. Collection method: clinical testing. Allele origin: germline.
Comment: This missense variant replaces asparagine with serine at codon 961 of the BRCA1 protein. Computational prediction suggests that this variant may not impact protein structure and function (internally defined REVEL score threshold <= 0.5, PMID: 27666373). To our knowledge, functional studies have not been reported for this variant. This variant has been reported in two individuals affected with breast cancer (PMID: 33471991; Leiden Open Variation Database DB-ID BRCA1_005986). This variant has not been identified in the general population by the Genome Aggregation Database (gnomAD). The available evidence is insufficient to determine the role of this variant in disease conclusively. Therefore, this variant is classified as a Variant of Uncertain Significance.

University of Washington Department of Laboratory Medicine, University of Washington
Classification: Likely benign for Hereditary cancer-predisposing syndrome. Last evaluated: 2023-03-23. Review status: criteria provided, single submitter. Criteria: Dines et al. (Genet Med. 2020). Collection method: curation. Allele origin: germline.
Comment: Missense variant in a coldspot region where missense variants are very unlikely to be pathogenic (PMID:31911673).

BRCA1 coldspot (exon 11 using historical exon numbering). Reclassification based on statistical prior probability

Division of Medical Genetics, University of Washington
Classification: Uncertain significance for Breast-ovarian cancer, familial, susceptibility to, 1. Last evaluated: 2020-01-22. Review status: criteria provided, single submitter. Criteria: ACMG Guidelines, 2015. Collection method: clinical testing. Allele origin: germline. Affected: no. Study: CSER_CHARM.
Comment: To our knowledge, this sequence variant has not been previously reported in the literature. This variant is not present in population databases. In silico analyses indicate that this variant does not alter protein structure/function. At this time, it is unknown at this time whether or not this variant increases cancer risk; therefore, we interpret it as a variant of uncertain significance. PM2; BP4

GeneDx
Classification: Uncertain significance. Last evaluated: 2018-03-05. Review status: criteria provided, single submitter. Criteria: GeneDx Variant Classification (06012015). Collection method: clinical testing. Allele origin: germline. Affected: yes.
Comment: This variant is denoted BRCA1 c.2882A>G at the cDNA level, p.Asn961Ser (N961S) at the protein level, and results in the change of an Asparagine to a Serine (AAC>AGC). Using alternate nomenclature, this variant would be defined as BRCA1 3001A>G. This variant has not, to our knowledge, been published in the literature as pathogenic or benign. BRCA1 Asn961Ser was not observed in large population cohorts (Lek 2016). This variant is located in the RAD51 and DNA binding domain (Chen 1998, Narod 2004). In silico analysis, which includes protein predictors and evolutionary conservation, supports a deleterious effect. Based on currently available evidence, it is unclear whether BRCA1 Asn961Ser is a pathogenic or benign variant. We consider it to be a variant of uncertain significance.

Department of Pathology and Laboratory Medicine, Sinai Health System
Classification: Uncertain significance for Malignant tumor of breast. Review status: no assertion criteria provided. Collection method: clinical testing. Allele origin: unknown. Affected: yes. Study: The Canadian Open Genetics Repository (COGR). Not counted in ClinVar's aggregate classification.
Comment: The p.Asn961Ser variant was not identified in the literature, nor was it identified in the dbSNP, NHLBI Exome Sequencing Project (Exome Variant Server), Exome Aggregation Consortium (ExAC), the 1000 Genomes Project, Fanconi Anemia Mutation Database (LOVD), COSMIC, ClinVar, Clinvitae, ARUP Laboratories BRCA Mutations Database, GeneInsight COGR, BIC or UMD. The p.Asn961 residue is not conserved in mammals and computational analyses (PolyPhen-2, SIFT, AlignGVGD, BLOSUM, MutationTaster) do not suggest a high likelihood of impact to the protein; however, this information is not predictive enough to rule out pathogenicity. The variant amino acid Ser is present in chicken, increasing the likelihood that this variant does not have clinical significance. The variant occurs outside of the splicing consensus sequence and 1 of 5 in silico or computational prediction software programs (SpliceSiteFinder, MaxEntScan, NNSPLICE, GeneSplicer, HumanSpliceFinder) predict a greater than 10% difference in splicing due to the creation of a cryptic splice acceptor site; this is not very predictive of pathogenicity. In summary, based on the above information, the clinical significance of this variant cannot be determined with certainty at this time. This variant is classified as a variant of unknown significance.

Literature cited by the submitters: PubMed 34326862 (cited by Labcorp Genetics (formerly Invitae), Labcorp); PubMed 33471991 (cited by Color Diagnostics, LLC DBA Color Health).

NM_007294.4(BRCA1):c.2882A>G (p.Asn961Ser)

Gene: BRCA1 (BRCA1 DNA repair associated; minus strand). Cytogenetic location: 17q21.31.
Variant type: single nucleotide variant.
Coding change: c.2882A>G on transcript NM_007294.4 (MANE Select); coding-DNA position 2882, A replaced by G.
Protein change: p.Asn961Ser; replaces asparagine 961 with serine.
Molecular consequence: missense variant. On other transcripts: intron variant (137).
Genome position (GRCh38, 1-based): chr17:43,092,649, T>C on the plus strand (A>G on the coding strand, the complement: BRCA1 is on the minus strand). VCF-style: chr17-43092649-T-C. GRCh37 (hg19) VCF-style: chr17-41244666-T-C.
Other names: c.2669A>G, p.Asn890Ser (NM_001407571.1, NM_001407853.1, NM_001407894.1 and 9 more transcripts); c.2882A>G, p.Asn961Ser (NM_001407581.1, NM_001407582.1, NM_001407583.1 and 30 more transcripts); c.2879A>G, p.Asn960Ser (NM_001407587.1, NM_001407590.1, NM_001407591.1 and 22 more transcripts); c.2873A>G, p.Asn958Ser (NM_001407646.1, NM_001407647.1); c.2759A>G, p.Asn920Ser (NM_001407648.1, NM_001407664.1, NM_001407665.1 and 19 more transcripts); c.2756A>G, p.Asn919Ser (NM_001407649.1, NM_001407670.1, NM_001407671.1 and 11 more transcripts); c.2804A>G, p.Asn935Ser (NM_001407663.1, NM_001407653.1, NM_001407654.1 and 4 more transcripts); c.2741A>G, p.Asn914Ser (NM_001407727.1, NM_001407728.1, NM_001407729.1 and 29 more transcripts); and 41 more; short protein forms N961S, N914S, N665S, N834S, N849S, N872S, N913S, N960S.
Identifiers: ClinVar variation 246160 (VCV000246160.28), dbSNP rs879254130, ClinGen allele CA10584565.